The following is an entry in ClinVar:

ClinVar aggregate classification (germline): Uncertain significance (1 of 4 stars; one submission).

Submission:

CeGaT Center for Human Genetics Tuebingen
Classification: Uncertain significance. Last evaluated: 2024-06-01. Review status: criteria provided, single submitter. Criteria: CeGaT Center For Human Genetics Tuebingen Variant Classification Criteria Version 2. Collection method: clinical testing. Allele origin: germline. Affected: yes. Observed: 2 variant alleles.
Comment: IRX6: PM2, BP4

NM_024335.3(IRX6):c.1168C>G (p.Arg390Gly)

Gene: IRX6 (iroquois homeobox 6; plus strand). Cytogenetic location: 16q12.2.
Variant type: single nucleotide variant.
Coding change: c.1168C>G on transcript NM_024335.3 (MANE Select); coding-DNA position 1168, C replaced by G.
Protein change: p.Arg390Gly; replaces arginine 390 with glycine.
Molecular consequence: missense variant.
Genome position (GRCh38, 1-based): chr16:55,329,146, C>G. VCF-style: chr16-55329146-C-G. GRCh37 (hg19) VCF-style: chr16-55363058-C-G.
Other names: short protein forms R390G.
Identifiers: ClinVar variation 3239249 (VCV003239249.19), dbSNP rs2506732210.